The following is an entry in ClinVar:

NM_001034853.2(RPGR):c.2634_2684del (p.886EGEEEGEGEGEEEEGEG[1])

Gene: RPGR (retinitis pigmentosa GTPase regulator; minus strand). Cytogenetic location: Xp11.4.
Variant type: Deletion.
Coding change: c.2634_2684del on transcript NM_001034853.2 (MANE Select); coding-DNA positions 2634 to 2684, 51 bases deleted.
Protein change: p.886EGEEEGEGEGEEEEGEG[1].
Molecular consequence: inframe deletion. On other transcripts: intron variant (8).
Genome position (GRCh38, 1-based): chrX:38,286,315-38,286,365, 51 bases deleted. GRCh37 (hg19): chrX:38,145,588-38,145,638.
Other names: c.1569+4594_1569+4644del (NM_001367249.1, NM_001367250.1); c.1902+729_1902+779del (NM_001367245.1); c.1386+4594_1386+4644del (NM_001367251.1); c.1719+729_1719+779del (NM_001367246.1); c.1572+4594_1572+4644del (NM_001367247.1); c.1905+729_1905+779del (NM_000328.3); c.1602+4594_1602+4644del (NM_001367248.1).
Identifiers: ClinVar variation 2722365 (VCV002722365.3), dbSNP rs1569236514, ClinGen allele CA10385254.

ClinVar aggregate classification (germline): Conflicting classifications of pathogenicity. Review status: criteria provided, conflicting classifications (1 of 4 stars). 2 submissions from 2 submitters: Uncertain significance (1); Likely benign (1). Last evaluated 2024-07-02.

Conditions:
Primary ciliary dyskinesia. Also called: Ciliary dyskinesia. Identifiers: Orphanet 244, MedGen C0008780, MONDO:0016575, HP:0012265.

Submissions (2):

Blueprint Genetics
Classification: Likely benign. Last evaluated: 2024-07-02. Review status: criteria provided, single submitter. Criteria: ACMG Guidelines, 2015. Collection method: clinical testing. Allele origin: germline.

Labcorp Genetics (formerly Invitae), Labcorp
Classification: Uncertain significance for Primary ciliary dyskinesia. Last evaluated: 2024-06-19. Review status: criteria provided, single submitter. Criteria: Invitae Variant Classification Sherloc (09022015). Collection method: clinical testing. Allele origin: germline.
Comment: This variant, c.2634_2684del, results in the deletion of 17 amino acid(s) of the RPGR (ORF15) protein (p.Glu903_Gly919del), but otherwise preserves the integrity of the reading frame. The frequency data for this variant in the population databases is considered unreliable, as metrics indicate poor data quality at this position in the gnomAD database. This variant has not been reported in the literature in individuals affected with RPGR (ORF15)-related conditions. Experimental studies and prediction algorithms are not available or were not evaluated, and the functional significance of this variant is currently unknown. In summary, the available evidence is currently insufficient to determine the role of this variant in disease. Therefore, it has been classified as a Variant of Uncertain Significance.